The following is an entry in ClinVar:

ClinVar aggregate classification (germline): Uncertain significance (1 of 4 stars; one submission).

Submission:

Labcorp Genetics (formerly Invitae), Labcorp
Classification: Uncertain significance. Last evaluated: 2021-04-02. Review status: criteria provided, single submitter. Criteria: Invitae Variant Classification Sherloc (09022015). Collection method: clinical testing. Allele origin: germline.
Comment: In summary, the available evidence is currently insufficient to determine the role of this variant in disease. Therefore, it has been classified as a Variant of Uncertain Significance. This sequence change replaces aspartic acid with asparagine at codon 345 of the DFNB59 protein (p.Asp345Asn). The aspartic acid residue is highly conserved and there is a small physicochemical difference between aspartic acid and asparagine. This variant is not present in population databases (ExAC no frequency). This variant has not been reported in the literature in individuals with DFNB59-related conditions. Algorithms developed to predict the effect of missense changes on protein structure and function are either unavailable or do not agree on the potential impact of this missense change (SIFT: "Deleterious"; PolyPhen-2: "Probably Damaging"; Align-GVGD: "Class C15").

NM_001042702.5(PJVK):c.1033G>A (p.Asp345Asn)

Gene: PJVK (pejvakin; plus strand). Cytogenetic location: 2q31.2.
Variant type: single nucleotide variant.
Coding change: c.1033G>A on transcript NM_001042702.5 (MANE Select); coding-DNA position 1033, G replaced by A.
Protein change: p.Asp345Asn; replaces aspartic acid 345 with asparagine.
Molecular consequence: missense variant.
Genome position (GRCh38, 1-based): chr2:178,461,248, G>A. VCF-style: chr2-178461248-G-A. GRCh37 (hg19) VCF-style: chr2-179325975-G-A.
Other names: c.1042G>A, p.Asp348Asn (NM_001353775.2); c.1039G>A, p.Asp347Asn (NM_001353776.2); c.556G>A, p.Asp186Asn (NM_001353777.1, NM_001353778.2); c.1033G>A, p.Asp345Asn (NM_001369912.1); short protein forms D186N, D345N, D347N, D348N.
Identifiers: ClinVar variation 1683216 (VCV001683216.8), dbSNP rs1684494020, ClinGen allele CA349404308.